The following is an entry in ClinVar:

NM_004473.4(FOXE1):c.648G>A (p.Ala216=)

Gene: FOXE1 (forkhead box E1; plus strand). Cytogenetic location: 9q22.33.
Variant type: single nucleotide variant.
Coding change: c.648G>A on transcript NM_004473.4 (MANE Select); coding-DNA position 648, G replaced by A.
Protein change: p.Ala216=; no amino-acid change (alanine 216 retained).
Molecular consequence: synonymous variant.
Genome position (GRCh38, 1-based): chr9:97,854,562, G>A. VCF-style: chr9-97854562-G-A. GRCh37 (hg19) VCF-style: chr9-100616844-G-A.
Identifiers: ClinVar variation 3055111 (VCV003055111.2), dbSNP rs1438380700, ClinGen allele CA466360021.
Genomic context (GRCh38, chr9:97,854,562, plus strand): 5'-CTATGCAGGCTACGCGCCGCCGTCGCTGGCCGCGCCGCCTCCAGTCTACTACCCCGCGGC[G>A]TCGCCCGGCCCTTGCCGCGTCTTCGGCCTGGTTCCTGAGCGGCCGCTCAGCCCAGAGCTG-3'
Protein context (NP_004464.2, residues 206-226): AAPPPVYYPA[Ala216=]SPGPCRVFGL

ClinVar aggregate classification (germline): Likely benign (0 of 4 stars; one submission).

Conditions:
FOXE1-related disorder. Also called: FOXE1-related condition.

Allele frequency attached by ClinVar (database versions not stated): TOPMed 0.00002.
gnomAD v4.1: 1 of 1,313,672 alleles (0.000076%); highest among the groups gnomAD compares: Non-Finnish European, 0.000096%; no homozygotes.

Submission:

PreventionGenetics, part of Exact Sciences
Classification: Likely benign for FOXE1-related condition. Last evaluated: 2023-01-20. Review status: no assertion criteria provided. Collection method: clinical testing. Allele origin: germline.
Comment: This variant is classified as likely benign based on ACMG/AMP sequence variant interpretation guidelines (Richards et al. 2015 PMID: 25741868, with internal and published modifications).